The following is an entry in ClinVar:

ClinVar aggregate classification (germline): Uncertain significance. Review status: criteria provided, multiple submitters, no conflicts (2 of 4 stars). 2 submissions from 2 submitters: Uncertain significance (2). Last evaluated 2025-04-01.

Conditions:
Isolated microphthalmia 5. Also called: Posterior Microphthalmia with Retinitis Pigmentosa, Foveoschisis, and Optic Disc Drusen. Identifiers: Orphanet 251279, MedGen C1970236, MONDO:0012605, OMIM 611040.

Allele frequency attached by ClinVar (database versions not stated): gnomAD exomes 0.00005 and 0.00004; TOPMed 0.00007; gnomAD 0.00007; ExAC 0.00014.
gnomAD v4.1: 63 of 1,590,012 alleles (0.004%); highest among the groups gnomAD compares: Non-Finnish European, 0.0046%; no homozygotes.

Submissions (2):

CeGaT Center for Human Genetics Tuebingen
Classification: Uncertain significance. Last evaluated: 2025-04-01. Review status: criteria provided, single submitter. Criteria: CeGaT Center For Human Genetics Tuebingen Variant Classification Criteria Version 2. Collection method: clinical testing. Allele origin: germline. Affected: yes. Observed: 1 variant allele.
Comment: MFRP: PM2, BP4

Labcorp Genetics (formerly Invitae), Labcorp
Classification: Uncertain significance for Isolated microphthalmia 5. Last evaluated: 2021-08-19. Review status: criteria provided, single submitter. Criteria: Invitae Variant Classification Sherloc (09022015). Collection method: clinical testing. Allele origin: germline.
Comment: In summary, the available evidence is currently insufficient to determine the role of this variant in disease. Therefore, it has been classified as a Variant of Uncertain Significance. Algorithms developed to predict the effect of missense changes on protein structure and function output the following: SIFT: "Tolerated"; PolyPhen-2: "Benign"; Align-GVGD: "Class C0". The histidine amino acid residue is found in multiple mammalian species, suggesting that this missense change does not adversely affect protein function. These predictions have not been confirmed by published functional studies and their clinical significance is uncertain. This variant has not been reported in the literature in individuals with MFRP-related conditions. This variant is present in population databases (rs761408905, ExAC 0.03%). This sequence change replaces arginine with histidine at codon 55 of the MFRP protein (p.Arg55His). The arginine residue is moderately conserved and there is a small physicochemical difference between arginine and histidine.

NM_031433.4(MFRP):c.164G>A (p.Arg55His)

Genes: C1QTNF5 (C1q and TNF related 5; minus strand), MFRP (membrane frizzled-related protein; minus strand). Cytogenetic location: 11q23.3.
Variant type: single nucleotide variant.
Coding change: c.164G>A on transcript NM_031433.4 (MANE Select); coding-DNA position 164, G replaced by A.
Protein change: p.Arg55His; replaces arginine 55 with histidine.
Molecular consequence: missense variant. On other transcripts: 5 prime UTR variant (1).
Genome position (GRCh38, 1-based): chr11:119,346,153, C>T on the plus strand (G>A on the coding strand, the complement: MFRP is on the minus strand). VCF-style: chr11-119346153-C-T. GRCh37 (hg19) VCF-style: chr11-119216863-C-T.
Other names: c.-2473G>A (NM_015645.5); short protein forms R55H.
Identifiers: ClinVar variation 850347 (VCV000850347.17), dbSNP rs761408905, ClinGen allele CA6320676.